The following is an entry in ClinVar:

NM_000368.5(TSC1):c.3176T>G (p.Phe1059Cys)

Gene: TSC1 (TSC complex subunit 1; minus strand). Cytogenetic location: 9q34.13.
Variant type: single nucleotide variant.
Coding change: c.3176T>G on transcript NM_000368.5 (MANE Select); coding-DNA position 3176, T replaced by G.
Protein change: p.Phe1059Cys; replaces phenylalanine 1059 with cysteine.
Molecular consequence: missense variant. On other transcripts: non-coding transcript variant (5).
Genome position (GRCh38, 1-based): chr9:132,896,554, A>C on the plus strand (T>G on the coding strand, the complement: TSC1 is on the minus strand). VCF-style: chr9-132896554-A-C. GRCh37 (hg19) VCF-style: chr9-135771941-A-C.
Other names: c.3131T>G, p.Phe1044Cys (NM_001406609.1, NM_001406608.1); c.3023T>G, p.Phe1008Cys (NM_001406610.1, NM_001162427.2); c.3020T>G, p.Phe1007Cys (NM_001406611.1, NM_001406612.1); c.2978T>G, p.Phe993Cys (NM_001406613.1); c.2813T>G, p.Phe938Cys (NM_001406614.1, NM_001406615.1, NM_001406616.1 and 4 more transcripts); c.2810T>G, p.Phe937Cys (NM_001406620.1, NM_001406621.1, NM_001406622.1 and 1 more transcripts); c.2771T>G, p.Phe924Cys (NM_001406624.1); c.2768T>G, p.Phe923Cys (NM_001406625.1); and 8 more; short protein forms F1053C, F1054C, F742C, F1045C, F1058C, F1059C, F923C, F937C.
Identifiers: ClinVar variation 2701507 (VCV002701507.4), dbSNP rs2131603524, ClinGen allele CA375367136.
Genomic context (GRCh38, chr9:132,896,554, plus strand): 5'-CCCACAGTGGTGGGGATGCTGGCAGACGCTTCTCCCATAGTCGTCTCCCACCGACTGCTG[A>C]ATGGGCCTGCCCTCTGGTGTGGGGGTTTCTCTGGGGTAGAAAGCTCGCTGCTGCTGCTGC-3'
Protein context (NP_000359.1, residues 1049-1069): EKPPHQRAGP[Phe1059Cys]SSRWETTMGE

ClinVar aggregate classification (germline): Uncertain significance. Review status: criteria provided, multiple submitters, no conflicts (2 of 4 stars). 2 submissions from 2 submitters: Uncertain significance (2). Last evaluated 2026-02-16.

Conditions:
Hereditary cancer-predisposing syndrome. Also called: Tumor predisposition; Hereditary Cancer Syndrome; Hereditary neoplastic syndrome; Neoplastic Syndromes, Hereditary. Identifiers: Orphanet 140162, MedGen C0027672, MeSH D009386, MONDO:0015356.
Tuberous sclerosis 1 (TSC1). Identifiers: Orphanet 805, MedGen C1854465, MONDO:0008612, OMIM 191100.

Submissions (2):

Ambry Genetics
Classification: Uncertain significance for Hereditary cancer-predisposing syndrome. Last evaluated: 2026-02-16. Review status: criteria provided, single submitter. Criteria: Ambry Variant Classification Scheme 2023. Collection method: clinical testing. Allele origin: germline.
Comment: The p.F1059C variant (also known as c.3176T>G), located in coding exon 21 of the TSC1 gene, results from a T to G substitution at nucleotide position 3176. The phenylalanine at codon 1059 is replaced by cysteine, an amino acid with highly dissimilar properties. This amino acid position is not well conserved in available vertebrate species. In addition, this alteration is predicted to be tolerated by in silico analysis. Based on the available evidence, the clinical significance of this variant remains unclear.

Labcorp Genetics (formerly Invitae), Labcorp
Classification: Uncertain significance for Tuberous sclerosis 1. Last evaluated: 2023-12-17. Review status: criteria provided, single submitter. Criteria: Invitae Variant Classification Sherloc (09022015). Collection method: clinical testing. Allele origin: germline.
Comment: This sequence change replaces phenylalanine, which is neutral and non-polar, with cysteine, which is neutral and slightly polar, at codon 1059 of the TSC1 protein (p.Phe1059Cys). This variant is not present in population databases (gnomAD no frequency). This variant has not been reported in the literature in individuals affected with TSC1-related conditions. Advanced modeling of protein sequence and biophysical properties (such as structural, functional, and spatial information, amino acid conservation, physicochemical variation, residue mobility, and thermodynamic stability) performed at Invitae indicates that this missense variant is not expected to disrupt TSC1 protein function with a negative predictive value of 95%. In summary, the available evidence is currently insufficient to determine the role of this variant in disease. Therefore, it has been classified as a Variant of Uncertain Significance.